The following is an entry in ClinVar:

NM_001003800.2(BICD2):c.1697G>T (p.Arg566Leu)

Gene: BICD2 (BICD cargo adaptor 2; minus strand). Cytogenetic location: 9q22.31.
Variant type: single nucleotide variant.
Coding change: c.1697G>T on transcript NM_001003800.2 (MANE Select); coding-DNA position 1697, G replaced by T.
Protein change: p.Arg566Leu; replaces arginine 566 with leucine.
Molecular consequence: missense variant.
Genome position (GRCh38, 1-based): chr9:92,718,948, C>A on the plus strand (G>T on the coding strand, the complement: BICD2 is on the minus strand). VCF-style: chr9-92718948-C-A. GRCh37 (hg19) VCF-style: chr9-95481230-C-A.
Other names: p.Arg566Leu; c.1697G>T, p.Arg566Leu (NM_015250.4); short protein forms R566L.
Identifiers: ClinVar variation 1232519 (VCV001232519.6), dbSNP rs550312355, ClinGen allele CA5126508.

ClinVar aggregate classification (germline): Conflicting classifications of pathogenicity. Review status: criteria provided, conflicting classifications (1 of 4 stars). 3 submissions from 3 submitters: Uncertain significance (1); Benign (1); Likely benign (1). Last evaluated 2025-10-22.

Conditions:
Autosomal dominant childhood-onset proximal spinal muscular atrophy with contractures (SMALED2A). Also called: SPINAL MUSCULAR ATROPHY, LOWER EXTREMITY-PREDOMINANT, 2A, CHILDHOOD ONSET, AUTOSOMAL DOMINANT; Spinal muscular atrophy, lower extremity-predominant, 2A, autosomal dominant. Identifiers: Orphanet 363447, Orphanet 363454, MedGen C4747715, MONDO:0014121, OMIM 615290.

gnomAD v4.1: 23 of 1,609,154 alleles (0.0014%); highest among the groups gnomAD compares: Admixed American, 0.038%; 1 homozygote.

Submissions (3):

Mayo Clinic Laboratories, Mayo Clinic
Classification: Likely benign. Last evaluated: 2025-10-22. Review status: criteria provided, single submitter. Criteria: ACMG Guidelines, 2015. Collection method: clinical testing. Allele origin: germline. Observed: 1 variant allele.
Comment: BS2, BP4_moderate

Labcorp Genetics (formerly Invitae), Labcorp
Classification: Uncertain significance for Autosomal dominant childhood-onset proximal spinal muscular atrophy with contractures. Last evaluated: 2024-06-11. Review status: criteria provided, single submitter. Criteria: Invitae Variant Classification Sherloc (09022015). Collection method: clinical testing. Allele origin: germline.
Comment: This sequence change replaces arginine, which is basic and polar, with leucine, which is neutral and non-polar, at codon 566 of the BICD2 protein (p.Arg566Leu). This variant is present in population databases (rs550312355, gnomAD 0.04%), and has an allele count higher than expected for a pathogenic variant. This variant has not been reported in the literature in individuals affected with BICD2-related conditions. ClinVar contains an entry for this variant (Variation ID: 1232519). Advanced modeling of protein sequence and biophysical properties (such as structural, functional, and spatial information, amino acid conservation, physicochemical variation, residue mobility, and thermodynamic stability) performed at Invitae indicates that this missense variant is not expected to disrupt BICD2 protein function with a negative predictive value of 80%. In summary, the available evidence is currently insufficient to determine the role of this variant in disease. Therefore, it has been classified as a Variant of Uncertain Significance.

GeneDx
Classification: Benign. Last evaluated: 2020-09-08. Review status: criteria provided, single submitter. Criteria: GeneDx Variant Classification Process June 2021. Collection method: clinical testing. Allele origin: germline. Affected: yes.